The following is an entry in ClinVar:

ClinVar aggregate classification (germline): Pathogenic/Likely pathogenic. Review status: criteria provided, multiple submitters, no conflicts (2 of 4 stars). 2 submissions from 2 submitters: Pathogenic (1); Likely pathogenic (1). Last evaluated 2024-10-07.

Conditions:
Pitt-Hopkins syndrome (PTHS). Also called: MENTAL RETARDATION, SYNDROMAL, WITH INTERMITTENT HYPERVENTILATION; ENCEPHALOPATHY, SEVERE EPILEPTIC, WITH AUTONOMIC DYSFUNCTION. Identifiers: Orphanet 2896, MedGen C1970431, MONDO:0012589, OMIM 610954.
Corneal dystrophy, Fuchs endothelial, 3 (FECD3). Also called: FCD2 LOCUS. Identifiers: Orphanet 98974, MedGen C2750451, MONDO:0013203, OMIM 613267.

Submissions (2):

3billion
Classification: Likely pathogenic for Pitt-Hopkins syndrome. Last evaluated: 2024-10-07. Review status: criteria provided, single submitter. Criteria: ACMG Guidelines, 2015. Collection method: clinical testing. Allele origin: germline. Affected: yes.
Comment: The variant is not observed in the gnomAD v4.1.0 dataset. Predicted Consequence/Location: The variant is located in a mutational hot spot and/or well-established functional domain in which established pathogenic variants have been reported. In silico tool predictions suggest damaging effect of the variant on gene or gene product [REVEL: 0.98 (>=0.6, sensitivity 0.68 and specificity 0.92); 3Cnet: 0.99 (>=0.6, sensitivity 0.72 and precision 0.9)]. Different missense changes at the same codon (p.Arg580Gln, p.Arg580Trp) have been reported as pathogenic/likely pathogenic with strong evidence (ClinVar ID: VCV000007370, VCV000007371 /PMID: 17436254 /3billion dataset). Therefore, this variant is classified as Likely pathogenic according to the recommendation of ACMG/AMP guideline.

Juno Genomics, Hangzhou Juno Genomics, Inc
Classification: Pathogenic for Corneal dystrophy, Fuchs endothelial, 3; Pitt-Hopkins syndrome. Review status: criteria provided, single submitter. Criteria: ACMG Guidelines, 2015. Collection method: clinical testing. Allele origin: germline. Affected: yes.
Comment: Multiple lines of computational evidence support a deleterious effect on the gene or gene product (conservation, evolutionary, splicing impact, etc).;Absent from controls (or at extremely low frequency if recessive) in Genome Aggregation Database, Exome Sequencing Project, 1000 Genomes Project, or Exome Aggregation Consortium.;Novel missense change at an amino acid residue where a different missense change determined to be pathogenic has been seen before.;Assumed de novo, but without confirmation of paternity and maternity.

Literature cited by the submitters: PubMed 17436254 (cited by 3billion).

NM_001083962.2(TCF4):c.1739G>T (p.Arg580Leu)

Gene: TCF4 (transcription factor 4; minus strand). Cytogenetic location: 18q21.2.
Variant type: single nucleotide variant.
Coding change: c.1739G>T on transcript NM_001083962.2 (MANE Select); coding-DNA position 1739, G replaced by T.
Protein change: p.Arg580Leu; replaces arginine 580 with leucine.
Molecular consequence: missense variant.
Genome position (GRCh38, 1-based): chr18:55,228,987, C>A on the plus strand (G>T on the coding strand, the complement: TCF4 is on the minus strand). VCF-style: chr18-55228987-C-A. GRCh37 (hg19) VCF-style: chr18-52896218-C-A.
Other names: c.1652G>T, p.Arg551Leu (NM_001348220.1, NM_001369585.1, NM_001369584.1); c.1739G>T, p.Arg580Leu (NM_001369567.1, NM_001369568.1); c.1736G>T, p.Arg579Leu (NM_001369569.1, NM_001369570.1, NM_001330604.3); c.1727G>T, p.Arg576Leu (NM_001369571.1, NM_001369572.1, NM_003199.3); c.1724G>T, p.Arg575Leu (NM_001369573.1, NM_001369574.1); c.2045G>T, p.Arg682Leu (NM_001243226.3); c.1667G>T, p.Arg556Leu (NM_001243227.2, NM_001348217.1, NM_001348218.2 and 1 more transcripts); c.1757G>T, p.Arg586Leu (NM_001243228.2); and 14 more; short protein forms R364L, R415L, R416L, R420L, R446L, R450L, R505L, R509L.
Identifiers: ClinVar variation 3383034 (VCV003383034.3).